The following is an entry in ClinVar:

NM_003070.5(SMARCA2):c.3396C>G (p.Gly1132=)

Gene: SMARCA2 (SWI/SNF related BAF chromatin remodeling complex subunit ATPase 2; plus strand). Cytogenetic location: 9p24.3.
Variant type: single nucleotide variant.
Coding change: c.3396C>G on transcript NM_003070.5 (MANE Select); coding-DNA position 3396, C replaced by G.
Protein change: p.Gly1132=; no amino-acid change (glycine 1132 retained).
Molecular consequence: synonymous variant.
Genome position (GRCh38, 1-based): chr9:2,110,357, C>G. VCF-style: chr9-2110357-C-G. GRCh37 (hg19) VCF-style: chr9-2110357-C-G.
Other names: c.3396C>G, p.Gly1132= (NM_001289396.2, NM_139045.4); c.3222C>G, p.Gly1074= (NM_001289397.2).
Identifiers: ClinVar variation 3390132 (VCV003390132.14).
Genomic context (GRCh38, chr9:2,110,357, plus strand): 5'-CAATGAACCTGGATCCCAGTATTTCATTTTCTTGCTGAGCACAAGAGCTGGTGGCCTGGG[C>G]TTAAATCTTCAGGCAGCTGATACAGTGGTCATCTTTGACAGCGACTGGAATCCTCATCAG-3'
Protein context (NP_003061.3, residues 1122-1142): FLLSTRAGGL[Gly1132=]LNLQAADTVV

ClinVar aggregate classification (germline): Likely benign (1 of 4 stars; one submission).

gnomAD v4.1: 1 of 1,613,806 alleles (0.000062%); no homozygotes.

Submission:

CeGaT Center for Human Genetics Tuebingen
Classification: Likely benign. Last evaluated: 2024-11-01. Review status: criteria provided, single submitter. Criteria: CeGaT Center For Human Genetics Tuebingen Variant Classification Criteria Version 2. Collection method: clinical testing. Allele origin: germline. Affected: yes. Observed: 1 variant allele.
Comment: SMARCA2: BP4, BP7